The following is an entry in ClinVar:

NM_201253.3(CRB1):c.3284G>A (p.Gly1095Glu)

Gene: CRB1 (crumbs cell polarity complex component 1; plus strand). Cytogenetic location: 1q31.3.
Variant type: single nucleotide variant.
Coding change: c.3284G>A on transcript NM_201253.3 (MANE Select); coding-DNA position 3284, G replaced by A.
Protein change: p.Gly1095Glu; replaces glycine 1095 with glutamic acid.
Molecular consequence: missense variant. On other transcripts: non-coding transcript variant (2), intron variant (1).
Genome position (GRCh38, 1-based): chr1:197,435,147, G>A. VCF-style: chr1-197435147-G-A. GRCh37 (hg19) VCF-style: chr1-197404277-G-A.
Other names: c.2948G>A, p.Gly983Glu (NM_001193640.2); c.3212G>A, p.Gly1071Glu (NM_001257965.2); c.2129-453G>A (NM_001257966.2); short protein forms G1071E, G1095E, G983E.
Identifiers: ClinVar variation 1369837 (VCV001369837.6), dbSNP rs751213257, ClinGen allele CA1312312.

ClinVar aggregate classification (germline): Uncertain significance (1 of 4 stars; one submission).

Conditions:
Retinitis pigmentosa 12 (RP12). Also called: RP WITH OR WITHOUT PPRPE; RP WITH OR WITHOUT PRESERVED PARAARTERIOLE RETINAL PIGMENT EPITHELIUM; RETINITIS PIGMENTOSA WITH OR WITHOUT PARAARTERIOLAR PRESERVATION OF RETINAL PIGMENT EPITHELIUM. Identifiers: Orphanet 791, MedGen C1838647, MONDO:0010818, OMIM 600105.
Leber congenital amaurosis 8 (LCA8). Identifiers: Orphanet 65, MedGen C3151202, MONDO:0013453, OMIM 613835.

Allele frequency attached by ClinVar (database versions not stated): ExAC 0.00001; gnomAD exomes 0.00001 and 0.00002.
gnomAD v4.1: 7 of 1,613,826 alleles (0.00043%); highest among the groups gnomAD compares: Admixed American, 0.01%; no homozygotes.

Submission:

Labcorp Genetics (formerly Invitae), Labcorp
Classification: Uncertain significance for Leber congenital amaurosis 8; Retinitis pigmentosa 12. Last evaluated: 2022-09-01. Review status: criteria provided, single submitter. Criteria: Invitae Variant Classification Sherloc (09022015). Collection method: clinical testing. Allele origin: germline.
Comment: This sequence change replaces glycine, which is neutral and non-polar, with glutamic acid, which is acidic and polar, at codon 1095 of the CRB1 protein (p.Gly1095Glu). This variant is present in population databases (rs751213257, gnomAD 0.02%). This missense change has been observed in individual(s) with inherited retinal dystrophy (Invitae). ClinVar contains an entry for this variant (Variation ID: 1369837). Advanced modeling of protein sequence and biophysical properties (such as structural, functional, and spatial information, amino acid conservation, physicochemical variation, residue mobility, and thermodynamic stability) performed at Invitae indicates that this missense variant is expected to disrupt CRB1 protein function. In summary, the available evidence is currently insufficient to determine the role of this variant in disease. Therefore, it has been classified as a Variant of Uncertain Significance.